The following is an entry in ClinVar:

ClinVar aggregate classification (germline): Uncertain significance (1 of 4 stars; one submission).

Submission:

GeneDx
Classification: Uncertain significance. Last evaluated: 2025-08-12. Review status: criteria provided, single submitter. Criteria: GeneDx Variant Classification Process June 2021. Collection method: clinical testing. Allele origin: germline. Affected: yes.
Comment: Not observed at significant frequency in large population cohorts (gnomAD); In silico analysis supports that this missense variant has a deleterious effect on protein structure/function; Has not been previously published as pathogenic or benign to our knowledge

NM_021830.5(TWNK):c.1276A>G (p.Ser426Gly)

Gene: TWNK (twinkle mtDNA helicase; plus strand). Cytogenetic location: 10q24.31.
Variant type: single nucleotide variant.
Coding change: c.1276A>G on transcript NM_021830.5 (MANE Select); coding-DNA position 1276, A replaced by G.
Protein change: p.Ser426Gly; replaces serine 426 with glycine.
Molecular consequence: missense variant. On other transcripts: 5 prime UTR variant (2), non-coding transcript variant (2), intron variant (1).
Genome position (GRCh38, 1-based): chr10:100,989,676, A>G. VCF-style: chr10-100989676-A-G. GRCh37 (hg19) VCF-style: chr10-102749433-A-G.
Other names: c.1276A>G, p.Ser426Gly (NM_001163812.2); c.-87A>G (NM_001163813.2, NM_001163814.2); c.-57-30A>G (NM_001368275.1); short protein forms S426G.
Identifiers: ClinVar variation 4795295 (VCV004795295.1).